The following is an entry in ClinVar:

ClinVar aggregate classification (germline): Uncertain significance (1 of 4 stars; one submission).

Conditions:
Leigh syndrome (NULS). Also called: Leigh's necrotizing encephalopathy; Leigh's disease; Leigh Syndrome (mtDNA deletion); Leigh Disease; Subacute necrotizing encephalopathy; Necrotizing encephalopathy infantile subacute of Leigh. Identifiers: Orphanet 506, MedGen C2931891, MONDO:0009723, OMIM 256000.

Submission:

Wong Mito Lab, Molecular and Human Genetics, Baylor College of Medicine
Classification: Uncertain significance for Leigh syndrome. Last evaluated: 2019-10-17. Review status: criteria provided, single submitter. Criteria: Modified ACMG Guidelines (Unpublished). Collection method: clinical testing. Allele origin: germline.
Comment: The NC_012920.1:m.3316G>C (YP_003024026.1:p.Ala4Pro) variant in MTND1 gene is interpretated to be a Uncertain Significance variant based on the modified ACMG guidelines (unpublished). This variant meets the following evidence codes: BP4, PP7

NC_012920.1(MT-ND1):m.3316G>C

Gene: MT-ND1 (mitochondrially encoded NADH dehydrogenase 1; plus strand).
Variant type: single nucleotide variant.
Genome position: chrM-3316-G-C.
Identifiers: ClinVar variation 692332 (VCV000692332.1), dbSNP rs2853516, ClinGen allele CA414772526.